The following is an entry in ClinVar:

NM_000264.5(PTCH1):c.3869C>T (p.Ser1290Leu)

Gene: PTCH1 (patched 1; minus strand). Cytogenetic location: 9q22.32.
Variant type: single nucleotide variant.
Coding change: c.3869C>T on transcript NM_000264.5 (MANE Select); coding-DNA position 3869, C replaced by T.
Protein change: p.Ser1290Leu; replaces serine 1290 with leucine.
Molecular consequence: missense variant. On other transcripts: non-coding transcript variant (1).
Genome position (GRCh38, 1-based): chr9:95,447,387, G>A on the plus strand (C>T on the coding strand, the complement: PTCH1 is on the minus strand). VCF-style: chr9-95447387-G-A. GRCh37 (hg19) VCF-style: chr9-98209669-G-A.
Other names: c.3671C>T, p.Ser1224Leu (NM_001083602.3); c.3866C>T, p.Ser1289Leu (NM_001083603.3); c.3416C>T, p.Ser1139Leu (NM_001083604.3, NM_001083605.3, NM_001083606.3 and 1 more transcripts); c.3713C>T, p.Ser1238Leu (NM_001354918.2); short protein forms S1238L, S1224L, S1289L, S1139L, S1290L.
Identifiers: ClinVar variation 3704161 (VCV003704161.3).

ClinVar aggregate classification (germline): Uncertain significance. Review status: criteria provided, multiple submitters, no conflicts (2 of 4 stars). 2 submissions from 2 submitters: Uncertain significance (2). Last evaluated 2025-12-29.

Conditions:
Gorlin syndrome. Also called: Nevoid Basal Cell Carcinoma Syndrome; Basal cell nevus syndrome. Identifiers: Orphanet 377, MedGen C0004779, MONDO:0007187.

Submissions (2):

Center for Genomic Medicine, Rigshospitalet, Copenhagen University Hospital
Classification: Uncertain significance. Last evaluated: 2025-12-29. Review status: criteria provided, single submitter. Criteria: ACMG Guidelines, 2015. Collection method: clinical testing. Allele origin: germline.
Comment: Classification criteria: BP4

Labcorp Genetics (formerly Invitae), Labcorp
Classification: Uncertain significance for Gorlin syndrome. Last evaluated: 2024-10-30. Review status: criteria provided, single submitter. Criteria: Invitae Variant Classification Sherloc (09022015). Collection method: clinical testing. Allele origin: germline.
Comment: This sequence change replaces serine, which is neutral and polar, with leucine, which is neutral and non-polar, at codon 1290 of the PTCH1 protein (p.Ser1290Leu). This variant is not present in population databases (gnomAD no frequency). This variant has not been reported in the literature in individuals affected with PTCH1-related conditions. Invitae Evidence Modeling of protein sequence and biophysical properties (such as structural, functional, and spatial information, amino acid conservation, physicochemical variation, residue mobility, and thermodynamic stability) indicates that this missense variant is not expected to disrupt PTCH1 protein function with a negative predictive value of 95%. In summary, the available evidence is currently insufficient to determine the role of this variant in disease. Therefore, it has been classified as a Variant of Uncertain Significance.